The following is an entry in ClinVar:

NM_007294.4(BRCA1):c.176C>G (p.Ser59Ter)

Gene: BRCA1 (BRCA1 DNA repair associated; minus strand). Cytogenetic location: 17q21.31.
Variant type: single nucleotide variant.
Coding change: c.176C>G on transcript NM_007294.4 (MANE Select); coding-DNA position 176, C replaced by G.
Protein change: p.Ser59Ter; replaces serine 59 with a stop codon.
Molecular consequence: nonsense. On other transcripts: non-coding transcript variant (1).
Genome position (GRCh38, 1-based): chr17:43,106,492, G>C on the plus strand (C>G on the coding strand, the complement: BRCA1 is on the minus strand). VCF-style: chr17-43106492-G-C. GRCh37 (hg19) VCF-style: chr17-41258509-G-C.
Other names: c.-13C>G (NM_001407571.1, NM_001407853.1, NM_001407879.1 and 58 more transcripts); c.176C>G, p.Ser59Ter (NM_001407581.1, NM_001407582.1, NM_001407583.1 and 168 more transcripts); c.35C>G, p.Ser12Ter (NM_001407692.1, NM_001407694.1, NM_001407695.1 and 99 more transcripts); short protein forms S59*, S12*.
Identifiers: ClinVar variation 865226 (VCV000865226.3), dbSNP rs199522616, ClinGen allele CA10601807.
Genomic context (GRCh38, chr17:43,106,492, plus strand): 5'-TAGCATCATTACCAAATTATATACCTTTTGGTTATATCATTCTTACATAAAGGACACTGT[G>C]AAGGCCCTTTCTTCTGGTTGAGAAGTTTCAGCATGCAAAATCTATAAATTATAAAGAAAG-3'

Conditions:
Breast-ovarian cancer, familial, susceptibility to, 1 (BROVCA1). Also called: BRCA1 Hereditary Breast and Ovarian Cancer; OVARIAN CANCER, SUSCEPTIBILITY TO. Identifiers: Orphanet 145, MedGen C2676676, MONDO:0011450, OMIM 604370. Disease mechanism: loss of function.

Submission:

Brotman Baty Institute, University of Washington
No classification provided (evidence only). Condition: Breast-ovarian cancer, familial 1. Review status: no classification provided. Collection method: in vitro. Allele origin: not applicable. Functional consequence: functionally_abnormal.
ClinVar note: "not provided" was previously submitted as the classification for the variant. However, the classification appeared to be based only on an observation of functional data so it was converted to no classification on 2025-07-30.